The following is an entry in ClinVar:

NM_000091.5(COL4A3):c.1150+6T>C

Genes: COL4A3 (collagen type IV alpha 3 chain; plus strand), MFF-DT (MFF divergent transcript; minus strand). Cytogenetic location: 2q36.3.
Variant type: single nucleotide variant.
Coding change: c.1150+6T>C on transcript NM_000091.5 (MANE Select); 6 bases into the intron after coding-DNA position 1150, T replaced by C.
Molecular consequence: intron variant.
Genome position (GRCh38, 1-based): chr2:227,261,123, T>C. VCF-style: chr2-227261123-T-C. GRCh37 (hg19) VCF-style: chr2-228125839-T-C.
Identifiers: ClinVar variation 3764791 (VCV003764791.1).

ClinVar aggregate classification (germline): Uncertain significance (1 of 4 stars; one submission).

Conditions:
Autosomal dominant Alport syndrome (ATS3A). Also called: ALPORT SYNDROME 3A, AUTOSOMAL DOMINANT; Alport syndrome dominant type; Renal failure and sensorineural hearing loss. Identifiers: Orphanet 63, Orphanet 88918, MedGen C5882663, MONDO:0007086, OMIM 104200.

gnomAD v4.1: 4 of 1,609,328 alleles (0.00025%); highest among the groups gnomAD compares: Non-Finnish European, 0.00034%; no homozygotes.

Submission:

MVZ Medizinische Genetik Mainz
Classification: Uncertain significance for Autosomal dominant Alport syndrome. Last evaluated: 2025-02-03. Review status: criteria provided, single submitter. Criteria: UK Practice Guidelines For Variant Classification V4 01 2020. Collection method: clinical testing. Allele origin: germline. Inheritance: Autosomal dominant inheritance. Observed: 1 variant allele.
Comment: ACMG Criteria: PM2_SUP,PP3,PP4